The following is an entry in ClinVar:

NM_000051.4(ATM):c.6864C>T (p.Val2288=)

Genes: ATM (ATM serine/threonine kinase; plus strand), C11orf65 (chromosome 11 open reading frame 65; minus strand). Cytogenetic location: 11q22.3.
Variant type: single nucleotide variant.
Coding change: c.6864C>T on transcript NM_000051.4 (MANE Select); coding-DNA position 6864, C replaced by T.
Protein change: p.Val2288=; no amino-acid change (valine 2288 retained).
Molecular consequence: synonymous variant. On other transcripts: intron variant (2).
Genome position (GRCh38, 1-based): chr11:108,326,114, C>T. VCF-style: chr11-108326114-C-T. GRCh37 (hg19) VCF-style: chr11-108196841-C-T.
Other names: c.6864C>T, p.Val2288= (NM_001351834.2); c.641-17043G>A (NM_001330368.2); c.*38+9106G>A (NM_001351110.2).
Identifiers: ClinVar variation 1652975 (VCV001652975.10), dbSNP rs2136334108, ClinGen allele CA476676313.
Genomic context (GRCh38, chr11:108,326,114, plus strand): 5'-TCAGCTCCCTGAAAGGGCAATATTTCAAATTAAACAGTACAATTCAGTTAGCTGTGGAGT[C>T]TCTGAGTGGCAGCTGGAAGAAGCACAAGTATTCTGGGCAAAAAAGGAGCAGAGTCTTGCC-3'
Protein context (NP_000042.3, residues 2278-2298): IKQYNSVSCG[Val2288=]SEWQLEEAQV

ClinVar aggregate classification (germline): Benign/Likely benign. Review status: criteria provided, multiple submitters, no conflicts (2 of 4 stars). 3 submissions from 3 submitters: Benign (1); Likely benign (2). Last evaluated 2025-03-23.

Conditions:
Ataxia-telangiectasia syndrome (AT). Also called: LOUIS-BAR SYNDROME; Cerebello-oculocutaneous telangiectasia; Immunodeficiency with ataxia telangiectasia; Ataxia telangiectasia (A-T); Ataxia-telangiectasia, complementation group D; AT, COMPLEMENTATION GROUP C. Identifiers: Orphanet 100, MedGen C0004135, MONDO:0008840, OMIM 208900.
Familial cancer of breast. Also called: BREAST CANCER, FAMILIAL; Hereditary breast cancer; hereditary breast carcinoma. Identifiers: Orphanet 227535, MedGen C0346153, MONDO:0016419, OMIM 114480. Disease mechanism: loss of function.
Hereditary cancer-predisposing syndrome. Also called: Neoplastic Syndromes, Hereditary; Tumor predisposition; Hereditary Cancer Syndrome; Hereditary neoplastic syndrome. Identifiers: Orphanet 140162, MedGen C0027672, MeSH D009386, MONDO:0015356.

Submissions (3):

Labcorp Genetics (formerly Invitae), Labcorp
Classification: Likely benign for Ataxia-telangiectasia syndrome. Last evaluated: 2025-03-23. Review status: criteria provided, single submitter. Criteria: Invitae Variant Classification Sherloc (09022015). Collection method: clinical testing. Allele origin: germline.

Myriad Genetics, Inc.
Classification: Benign for Familial cancer of breast. Last evaluated: 2024-06-12. Review status: criteria provided, single submitter. Criteria: Myriad Autosomal Dominant, Autosomal Recessive and X-Linked Classification Criteria (2023). Collection method: clinical testing. Allele origin: unknown.
Comment: This variant is considered benign. This variant is a silent/synonymous amino acid change and it is not expected to impact splicing.

Ambry Genetics
Classification: Likely benign for Hereditary cancer-predisposing syndrome. Last evaluated: 2023-06-17. Review status: criteria provided, single submitter. Criteria: Ambry Variant Classification Scheme 2023. Collection method: clinical testing. Allele origin: germline.